The following is an entry in ClinVar:

NM_001040113.2(MYH11):c.634-1G>A

Gene: MYH11 (myosin heavy chain 11; minus strand). Cytogenetic location: 16p13.11.
Variant type: single nucleotide variant.
Coding change: c.634-1G>A on transcript NM_001040113.2 (MANE Plus Clinical); the canonical splice acceptor site of the intron before coding-DNA position 634, G replaced by A.
Molecular consequence: splice acceptor variant. On other transcripts: intron variant (2).
Genome position (GRCh38, 1-based): chr16:15,784,719, C>T on the plus strand (G>A on the coding strand, the complement: MYH11 is on the minus strand). VCF-style: chr16-15784719-C-T. GRCh37 (hg19) VCF-style: chr16-15878576-C-T.
Other names: c.633+1911G>A (NM_002474.3, NM_022844.3); c.634-1G>A (NM_001040114.2).
Identifiers: ClinVar variation 4759522 (VCV004759522.1).

ClinVar aggregate classification (germline): Likely pathogenic (1 of 4 stars; one submission).

Conditions:
Aortic aneurysm, familial thoracic 4 (AAT4). Also called: AORTIC ANEURYSM/AORTIC DISSECTION AND PATENT DUCTUS ARTERIOSUS. Identifiers: MedGen C1851504, MONDO:0007568, OMIM 132900.

gnomAD v4.1: 2 of 1,613,904 alleles (0.00012%); highest among the groups gnomAD compares: East Asian, 0.0045%; no homozygotes.

Submission:

Labcorp Genetics (formerly Invitae), Labcorp
Classification: Likely pathogenic for Aortic aneurysm, familial thoracic 4. Last evaluated: 2025-10-22. Review status: criteria provided, single submitter. Criteria: Invitae Variant Classification Sherloc (09022015). Collection method: clinical testing. Allele origin: germline.
Comment: This sequence change affects an acceptor splice site in intron 5 of the MYH11 gene. It is expected to disrupt RNA splicing. Variants that disrupt the donor or acceptor splice site typically lead to a loss of protein function (PMID: 16199547), and loss-of-function variants in MYH11 are known to be pathogenic (PMID: 25407000, 29575632). This variant is present in population databases (rs772565558, gnomAD 0.01%). This variant has not been reported in the literature in individuals affected with MYH11-related conditions. In summary, the currently available evidence indicates that the variant is pathogenic, but additional data are needed to prove that conclusively. Therefore, this variant has been classified as Likely Pathogenic.

Literature cited by the submitters: PubMed 16199547; PubMed 25407000; PubMed 29575632.